The following is an entry in ClinVar:

NM_001376.5(DYNC1H1):c.3960+1G>C

Gene: DYNC1H1 (dynein cytoplasmic 1 heavy chain 1; plus strand). Cytogenetic location: 14q32.31.
Variant type: single nucleotide variant.
Coding change: c.3960+1G>C on transcript NM_001376.5 (MANE Select); the canonical splice donor site of the intron after coding-DNA position 3960, G replaced by C.
Molecular consequence: splice donor variant.
Genome position (GRCh38, 1-based): chr14:102,000,145, G>C. VCF-style: chr14-102000145-G-C. GRCh37 (hg19) VCF-style: chr14-102466482-G-C.
Identifiers: ClinVar variation 2002735 (VCV002002735.4), dbSNP rs2503726700, ClinGen allele CA391038881.

ClinVar aggregate classification (germline): Uncertain significance (1 of 4 stars; one submission).

Conditions:
Charcot-Marie-Tooth disease axonal type 2O. Also called: CHARCOT-MARIE-TOOTH NEUROPATHY, AXONAL, TYPE 2O; CHARCOT-MARIE-TOOTH DISEASE, AXONAL, AUTOSOMAL DOMINANT, TYPE 2O; Charcot-Marie-Tooth Neuropathy Type 2O; Charcot-Marie-Tooth disease, axonal, type 20. Identifiers: Orphanet 284232, MedGen C3280220, MONDO:0013644, OMIM 614228.

Submission:

Labcorp Genetics (formerly Invitae), Labcorp
Classification: Uncertain significance for Charcot-Marie-Tooth disease axonal type 2O. Last evaluated: 2022-07-12. Review status: criteria provided, single submitter. Criteria: Invitae Variant Classification Sherloc (09022015). Collection method: clinical testing. Allele origin: germline.
Comment: This sequence change affects a donor splice site in intron 17 of the DYNC1H1 gene. It is expected to disrupt RNA splicing. Variants that disrupt the donor or acceptor splice site typically lead to a loss of protein function (PMID: 16199547), however the current clinical and genetic evidence is not sufficient to establish whether loss-of-function variants in DYNC1H1 cause disease. This variant is not present in population databases (gnomAD no frequency). This variant has not been reported in the literature in individuals affected with DYNC1H1-related conditions. Algorithms developed to predict the effect of sequence changes on RNA splicing suggest that this variant may disrupt the consensus splice site. In summary, the available evidence is currently insufficient to determine the role of this variant in disease. Therefore, it has been classified as a Variant of Uncertain Significance.

Literature cited by the submitters: PubMed 16199547.